The following is an entry in ClinVar:

ClinVar aggregate classification (germline): Uncertain significance (1 of 4 stars; one submission).

Conditions:
POLD1-related polyposis and colorectal cancer syndrome (CRCS10). Also called: Colorectal cancer, susceptibility to, 10; Colorectal cancer 10; COLORECTAL CANCER, SUSCEPTIBILITY TO, ON CHROMOSOME 19q. Identifiers: Orphanet 220460, MedGen C2675481, MONDO:0012953, OMIM 612591.

Submission:

Labcorp Genetics (formerly Invitae), Labcorp
Classification: Uncertain significance for POLD1-related polyposis and colorectal cancer syndrome. Last evaluated: 2025-03-03. Review status: criteria provided, single submitter. Criteria: Invitae Variant Classification Sherloc (09022015). Collection method: clinical testing. Allele origin: germline.
Comment: This sequence change falls in intron 16 of the POLD1 gene. It does not directly change the encoded amino acid sequence of the POLD1 protein. This variant is not present in population databases (gnomAD no frequency). This variant has not been reported in the literature in individuals affected with POLD1-related conditions. ClinVar contains an entry for this variant (Variation ID: 1413914). Algorithms developed to predict the effect of sequence changes on RNA splicing suggest that this variant may disrupt the consensus splice site. In summary, the available evidence is currently insufficient to determine the role of this variant in disease. Therefore, it has been classified as a Variant of Uncertain Significance.

NM_002691.4(POLD1):c.2007-15C>A

Gene: POLD1 (DNA polymerase delta 1, catalytic subunit; plus strand). Cytogenetic location: 19q13.33.
Variant type: single nucleotide variant.
Coding change: c.2007-15C>A on transcript NM_002691.4 (MANE Select); 15 bases into the intron before coding-DNA position 2007, C replaced by A.
Molecular consequence: intron variant.
Genome position (GRCh38, 1-based): chr19:50,409,504, C>A. VCF-style: chr19-50409504-C-A. GRCh37 (hg19) VCF-style: chr19-50912761-C-A.
Other names: c.2007-15C>A (NM_001256849.1); c.2085-15C>A (NM_001308632.1).
Identifiers: ClinVar variation 1413914 (VCV001413914.8), dbSNP rs769431445, ClinGen allele CA2573156708.